The following is an entry in ClinVar:

ClinVar aggregate classification (germline): Benign. Review status: criteria provided, multiple submitters, no conflicts (2 of 4 stars). 2 submissions from 2 submitters: Benign (2). Last evaluated 2018-06-14.

Allele frequency attached by ClinVar (database versions not stated): TOPMed 0.27162; gnomAD 0.27309 and 0.27702; 1000 Genomes Project 30x 0.29638; 1000 Genomes Project 0.30371.
gnomAD v4.1: 42,052 of 152,132 alleles (28%); highest among the groups gnomAD compares: East Asian, 47%; 6,036 homozygotes.

Submissions (2):

GeneDx
Classification: Benign. Last evaluated: 2018-06-14. Review status: criteria provided, single submitter. Criteria: GeneDx Variant Classification (06012015). Collection method: clinical testing. Allele origin: germline. Affected: yes.
Comment: This variant is considered likely benign or benign based on one or more of the following criteria: it is a conservative change, it occurs at a poorly conserved position in the protein, it is predicted to be benign by multiple in silico algorithms, and/or has population frequency not consistent with disease.

Breakthrough Genomics
Classification: Benign. Review status: criteria provided, single submitter. Criteria: ACMG Guidelines, 2015. Collection method: not provided. Allele origin: germline. Inheritance: Autosomal recessive inheritance. Affected: yes.

NM_001378615.1(CC2D2A):c.2182-249T>C

Genes: CC2D2A (coiled-coil and C2 domain containing 2A; plus strand), FBXL5 (F-box and leucine rich repeat protein 5; minus strand). Cytogenetic location: 4p15.32.
Variant type: single nucleotide variant.
Coding change: c.2182-249T>C on transcript NM_001378615.1 (MANE Select); 249 bases into the intron before coding-DNA position 2182, T replaced by C.
Molecular consequence: intron variant.
Genome position (GRCh38, 1-based): chr4:15,550,575, T>C. VCF-style: chr4-15550575-T-C. GRCh37 (hg19) VCF-style: chr4-15552198-T-C.
Other names: c.2182-249T>C (NM_001080522.2); c.2035-249T>C (NM_001378617.1).
Identifiers: ClinVar variation 678292 (VCV000678292.2), dbSNP rs2041671, ClinGen allele CA11717933.